The following is an entry in ClinVar:

ClinVar aggregate classification (germline): Uncertain significance (1 of 4 stars; one submission).

Conditions:
Hereditary cancer-predisposing syndrome. Also called: Neoplastic Syndromes, Hereditary; Tumor predisposition; Hereditary neoplastic syndrome; Hereditary Cancer Syndrome. Identifiers: Orphanet 140162, MedGen C0027672, MeSH D009386, MONDO:0015356.
Cardiovascular phenotype. Identifiers: MedGen CN230736.

Submission:

Ambry Genetics
Classification: Uncertain significance for Cardiovascular phenotype; Hereditary cancer-predisposing syndrome. Last evaluated: 2023-04-03. Review status: criteria provided, single submitter. Criteria: Ambry Variant Classification Scheme 2023. Collection method: clinical testing. Allele origin: germline.
Comment: The p.D2524G variant (also known as c.7571A>G), located in coding exon 51 of the NF1 gene, results from an A to G substitution at nucleotide position 7571. The aspartic acid at codon 2524 is replaced by glycine, an amino acid with similar properties. This amino acid position is highly conserved in available vertebrate species. In addition, the in silico prediction for this alteration is inconclusive. Since supporting evidence is limited at this time, the clinical significance of this alteration remains unclear.

NM_001042492.3(NF1):c.7634A>G (p.Asp2545Gly)

Gene: NF1 (neurofibromin 1; plus strand). Cytogenetic location: 17q11.2.
Variant type: single nucleotide variant.
Coding change: c.7634A>G on transcript NM_001042492.3 (MANE Select); coding-DNA position 7634, A replaced by G.
Protein change: p.Asp2545Gly; replaces aspartic acid 2545 with glycine.
Molecular consequence: missense variant.
Genome position (GRCh38, 1-based): chr17:31,356,478, A>G. VCF-style: chr17-31356478-A-G. GRCh37 (hg19) VCF-style: chr17-29683496-A-G.
Other names: c.7571A>G, p.Asp2524Gly (NM_000267.4); short protein forms D2524G, D2545G.
Identifiers: ClinVar variation 3237947 (VCV003237947.1), dbSNP rs2151581043.